The following is an entry in ClinVar:

ClinVar aggregate classification (germline): Uncertain significance. Review status: criteria provided, multiple submitters, no conflicts (2 of 4 stars). 2 submissions from 2 submitters: Uncertain significance (2). Last evaluated 2021-10-18.

Conditions:
Inborn genetic diseases. Identifiers: MedGen C0950123, MeSH D030342.

Allele frequency attached by ClinVar (database versions not stated): gnomAD exomes below 0.00001; TOPMed 0.00001; gnomAD 0.00002.
gnomAD v4.1: 7 of 1,613,546 alleles (0.00043%); highest among the groups gnomAD compares: African/African-American, 0.0013%; no homozygotes.

Submissions (2):

Ambry Genetics
Classification: Uncertain significance for Inborn genetic diseases. Last evaluated: 2021-10-18. Review status: criteria provided, single submitter. Criteria: Ambry Variant Classification Scheme 2023. Collection method: clinical testing. Allele origin: germline.

Labcorp Genetics (formerly Invitae), Labcorp
Classification: Uncertain significance. Last evaluated: 2021-02-12. Review status: criteria provided, single submitter. Criteria: Invitae Variant Classification Sherloc (09022015). Collection method: clinical testing. Allele origin: germline.
Comment: This sequence change replaces glutamine with glutamic acid at codon 1681 of the LAMB1 protein (p.Gln1681Glu). The glutamine residue is highly conserved and there is a small physicochemical difference between glutamine and glutamic acid. This variant is not present in population databases (ExAC no frequency). This variant has not been reported in the literature in individuals with LAMB1-related conditions. Algorithms developed to predict the effect of missense changes on protein structure and function are either unavailable or do not agree on the potential impact of this missense change (SIFT: "Deleterious"; PolyPhen-2: "Benign"; Align-GVGD: "Class C25"). In summary, the available evidence is currently insufficient to determine the role of this variant in disease. Therefore, it has been classified as a Variant of Uncertain Significance.

NM_002291.3(LAMB1):c.5041C>G (p.Gln1681Glu)

Gene: LAMB1 (laminin subunit beta 1; minus strand). Cytogenetic location: 7q31.1.
Variant type: single nucleotide variant.
Coding change: c.5041C>G on transcript NM_002291.3 (MANE Select); coding-DNA position 5041, C replaced by G.
Protein change: p.Gln1681Glu; replaces glutamine 1681 with glutamic acid.
Molecular consequence: missense variant.
Genome position (GRCh38, 1-based): chr7:107,926,206, G>C on the plus strand (C>G on the coding strand, the complement: LAMB1 is on the minus strand). VCF-style: chr7-107926206-G-C. GRCh37 (hg19) VCF-style: chr7-107566651-G-C.
Other names: c.5041C>G (NM_002291.2); short protein forms Q1681E.
Identifiers: ClinVar variation 1476358 (VCV001476358.9), dbSNP rs1174341723, ClinGen allele CA368860811.